The following is an entry in ClinVar:

NM_001105206.3(LAMA4):c.2089C>A (p.Arg697Ser)

Gene: LAMA4 (laminin subunit alpha 4; minus strand). Cytogenetic location: 6q21.
Variant type: single nucleotide variant.
Coding change: c.2089C>A on transcript NM_001105206.3 (MANE Select); coding-DNA position 2089, C replaced by A.
Protein change: p.Arg697Ser; replaces arginine 697 with serine.
Molecular consequence: missense variant.
Genome position (GRCh38, 1-based): chr6:112,150,595, G>T on the plus strand (C>A on the coding strand, the complement: LAMA4 is on the minus strand). VCF-style: chr6-112150595-G-T. GRCh37 (hg19) VCF-style: chr6-112471797-G-T.
Other names: c.2068C>A, p.Arg690Ser (NM_001105207.3, NM_002290.5); short protein forms R690S, R697S.
Identifiers: ClinVar variation 4614442 (VCV004614442.1).
Genomic context (GRCh38, chr6:112,150,595, plus strand): 5'-TAACGGCATCACTGAGTCTGGTTTTAAGGGCACTTTTCCTTGCTAGGGCTCCACCCACAC[G>T]CCTGCTAGTGTCAGCCACTGCTTCATCACTGCCTGTGGAAGAGCAGCAGAAAGAAGTACT-3'
Protein context (NP_001098676.2, residues 687-707): SDEAVADTSR[Arg697Ser]VGGALARKSA

ClinVar aggregate classification (germline): Uncertain significance (1 of 4 stars; one submission).

Conditions:
Cardiovascular phenotype. Identifiers: MedGen CN230736.

gnomAD v4.1: 1 of 1,613,882 alleles (0.000062%); highest among the groups gnomAD compares: Non-Finnish European, 0.000085%; no homozygotes.

Submission:

Ambry Genetics
Classification: Uncertain significance for Cardiovascular phenotype. Last evaluated: 2025-10-05. Review status: criteria provided, single submitter. Criteria: Ambry Variant Classification Scheme 2023. Collection method: clinical testing. Allele origin: germline.
Comment: The p.R690S variant (also known as c.2068C>A), located in coding exon 16 of the LAMA4 gene, results from a C to A substitution at nucleotide position 2068. The arginine at codon 690 is replaced by serine, an amino acid with dissimilar properties. This amino acid position is conserved. In addition, this alteration is predicted to be tolerated by in silico analysis. Based on the available evidence, the clinical significance of this variant remains unclear.